The following is an entry in ClinVar:

ClinVar aggregate classification (germline): Uncertain significance (1 of 4 stars; one submission).

Conditions:
GYG2-related disorder. Also called: GYG2-related condition.

gnomAD v4.1: 1 of 1,206,842 alleles (0.000083%); highest among the groups gnomAD compares: Non-Finnish European, 0.00011%; no homozygotes.

Submission:

PreventionGenetics, part of Exact Sciences
Classification: Uncertain significance for GYG2-related condition. Last evaluated: 2026-01-24. Review status: criteria provided, single submitter. Criteria: ACMG Guidelines, 2015. Collection method: clinical testing. Allele origin: germline.
Comment: The GYG2 c.1249A>G variant is predicted to result in the amino acid substitution p.Lys417Glu. To our knowledge, this variant has not been reported in the literature. This variant is reported in 0.0012% of alleles in individuals of European (Non-Finnish) descent in gnomAD. At this time, the clinical significance of this variant is uncertain due to the absence of conclusive functional and genetic evidence.

NM_001079855.2(GYG2):c.1156A>G (p.Lys386Glu)

Gene: GYG2 (glycogenin 2; plus strand). Cytogenetic location: Xp22.33.
Variant type: single nucleotide variant.
Coding change: c.1156A>G on transcript NM_001079855.2 (MANE Select); coding-DNA position 1156, A replaced by G.
Protein change: p.Lys386Glu; replaces lysine 386 with glutamic acid.
Molecular consequence: missense variant. On other transcripts: intron variant (2).
Genome position (GRCh38, 1-based): chrX:2,877,212, A>G. VCF-style: chrX-2877212-A-G. GRCh37 (hg19) VCF-style: chrX-2795253-A-G.
Other names: c.1153A>G, p.Lys385Glu (NM_001184702.2); c.1249A>G, p.Lys417Glu (NM_003918.3); c.1132-3840A>G (NM_001184703.2); c.574-3840A>G (NM_001184704.2); short protein forms K385E, K417E, K386E.
Identifiers: ClinVar variation 4995613 (VCV004995613.1).